The following is an entry in ClinVar:

NM_000059.4(BRCA2):c.316_316+3del

Gene: BRCA2 (BRCA2 DNA repair associated; plus strand). Cytogenetic location: 13q13.1.
Variant type: Deletion.
Coding change: c.316_316+3del on transcript NM_000059.4 (MANE Select); coding-DNA position 316 through 3 bases into the intron after coding-DNA position 316, 4 bases deleted (GGTA; older notation c.316_316+3delGGTA).
Molecular consequence: splice donor variant.
Genome position (GRCh38, 1-based): chr13:32,319,325-32,319,328, GGTA deleted; deleting any 4 consecutive bases within chr13:32,319,323-32,319,328 gives the same sequence; the c. name uses the placement nearest the transcript's 3' end. VCF-style (leftmost placement, unchanged base first): chr13-32319322-TTAGG-T. GRCh37 (hg19) VCF-style: chr13-32893459-TTAGG-T.
Identifiers: ClinVar variation 3718639 (VCV003718639.2).

ClinVar aggregate classification (germline): Likely pathogenic (1 of 4 stars; one submission).

Conditions:
Hereditary breast ovarian cancer syndrome. Also called: Breast and ovarian cancer; BRCA1- and BRCA2-Associated Hereditary Breast and Ovarian Cancer; Hereditary breast and/or ovarian cancer syndrome; Hereditary breast and ovarian cancer; Hereditary breast and ovarian cancer syndrome (HBOC); Hereditary breast and ovarian cancer syndrome. Identifiers: Orphanet 145, MedGen C0677776, MeSH D061325, MONDO:0003582. Disease mechanism: loss of function.

Submission:

Labcorp Genetics (formerly Invitae), Labcorp
Classification: Likely pathogenic for Hereditary breast ovarian cancer syndrome. Last evaluated: 2024-08-27. Review status: criteria provided, single submitter. Criteria: Invitae Variant Classification Sherloc (09022015). Collection method: clinical testing. Allele origin: germline.
Comment: This variant results in the deletion of exon 3 (c.316_316+3del) of the BRCA2 gene. It is expected to disrupt RNA splicing. Variants that disrupt the donor or acceptor splice site typically lead to a loss of protein function (PMID: 16199547), and loss-of-function variants in BRCA2 are known to be pathogenic (PMID: 20104584). This variant is present in population databases (rs756310203, gnomAD 0.0009%). This variant has been observed in individual(s) with breast cancer (PMID: 26689913, 31173646). This variant is also known as c.314_317delTAGG, g.32893460_32893463delTAGG. Algorithms developed to predict the effect of sequence changes on RNA splicing suggest that this variant may disrupt the consensus splice site. In summary, the currently available evidence indicates that the variant is pathogenic, but additional data are needed to prove that conclusively. Therefore, this variant has been classified as Likely Pathogenic.

Literature cited by the submitters: PubMed 16199547; PubMed 20104584; PubMed 26689913; PubMed 31173646.